The following is an entry in ClinVar:

ClinVar aggregate classification (germline): Uncertain significance (1 of 4 stars; one submission).

Allele frequency attached by ClinVar (database versions not stated): gnomAD exomes below 0.00001; TOPMed 0.00001.
gnomAD v4.1: 4 of 1,613,976 alleles (0.00025%); highest among the groups gnomAD compares: Non-Finnish European, 0.00025%; no homozygotes.

Submission:

Labcorp Genetics (formerly Invitae), Labcorp
Classification: Uncertain significance. Last evaluated: 2025-07-07. Review status: criteria provided, single submitter. Criteria: Invitae Variant Classification Sherloc (09022015). Collection method: clinical testing. Allele origin: germline.
Comment: This sequence change replaces asparagine, which is neutral and polar, with serine, which is neutral and polar, at codon 1272 of the FLNB protein (p.Asn1272Ser). This variant is present in population databases (no rsID available, gnomAD 0.0009%). This variant has not been reported in the literature in individuals affected with FLNB-related conditions. ClinVar contains an entry for this variant (Variation ID: 1911654). Invitae Evidence Modeling of protein sequence and biophysical properties (such as structural, functional, and spatial information, amino acid conservation, physicochemical variation, residue mobility, and thermodynamic stability) indicates that this missense variant is not expected to disrupt FLNB protein function with a negative predictive value of 95%. In summary, the available evidence is currently insufficient to determine the role of this variant in disease. Therefore, it has been classified as a Variant of Uncertain Significance.

NM_001457.4(FLNB):c.3815A>G (p.Asn1272Ser)

Gene: FLNB (filamin B; plus strand). Cytogenetic location: 3p14.3.
Variant type: single nucleotide variant.
Coding change: c.3815A>G on transcript NM_001457.4 (MANE Select); coding-DNA position 3815, A replaced by G.
Protein change: p.Asn1272Ser; replaces asparagine 1272 with serine.
Molecular consequence: missense variant.
Genome position (GRCh38, 1-based): chr3:58,124,422, A>G. VCF-style: chr3-58124422-A-G. GRCh37 (hg19) VCF-style: chr3-58110149-A-G.
Other names: c.3815A>G, p.Asn1272Ser (NM_001164317.2, NM_001164318.2, NM_001164319.2); short protein forms N1272S.
Identifiers: ClinVar variation 1911654 (VCV001911654.4), dbSNP rs1341761710, ClinGen allele CA353349580.